The following is an entry in ClinVar:

ClinVar aggregate classification (germline): Likely benign (1 of 4 stars; one submission).

Allele frequency attached by ClinVar (database versions not stated): 1000 Genomes Project 0.00978; 1000 Genomes Project 30x 0.01062; TOPMed 0.01996; gnomAD 0.02219 and 0.02283.
gnomAD v4.1: 3,354 of 152,160 alleles (2.2%); highest among the groups gnomAD compares: Non-Finnish European, 3.8%; 62 homozygotes.

Submission:

GeneDx
Classification: Likely benign. Last evaluated: 2018-06-15. Review status: criteria provided, single submitter. Criteria: GeneDx Variant Classification (06012015). Collection method: clinical testing. Allele origin: germline. Affected: yes.
Comment: This variant is considered likely benign or benign based on one or more of the following criteria: it is a conservative change, it occurs at a poorly conserved position in the protein, it is predicted to be benign by multiple in silico algorithms, and/or has population frequency not consistent with disease.

NM_004329.3(BMPR1A):c.-152-186A>G

Gene: BMPR1A (bone morphogenetic protein receptor type 1A; plus strand). Cytogenetic location: 10q23.2.
Variant type: single nucleotide variant.
Coding change: c.-152-186A>G on transcript NM_004329.3 (MANE Select); 186 bases into the intron before 152 bases upstream of the start codon, A replaced by G.
Molecular consequence: intron variant.
Genome position (GRCh38, 1-based): chr10:86,875,681, A>G. VCF-style: chr10-86875681-A-G. GRCh37 (hg19) VCF-style: chr10-88635438-A-G.
Identifiers: ClinVar variation 679735 (VCV000679735.1), dbSNP rs12777504, ClinGen allele CA211238720.
Genomic context (GRCh38, chr10:86,875,681, plus strand): 5'-TTTAATATACTTCCCTTGTTGTACATATGGCTAATCTGAGGTCAGGAGAGGTTGCAGCCT[A>G]TTAACTAAATTATTTGAAGTTTGAAATTATAGTGCCTAAAAAAAAAAAAGCAAGGATACC-3'